The following is an entry in ClinVar:

NM_000312.4(PROC):c.1099G>A (p.Val367Met)

Gene: PROC (protein C, inactivator of coagulation factors Va and VIIIa; plus strand). Cytogenetic location: 2q14.3.
Variant type: single nucleotide variant.
Coding change: c.1099G>A on transcript NM_000312.4 (MANE Select); coding-DNA position 1099, G replaced by A.
Protein change: p.Val367Met; replaces valine 367 with methionine.
Molecular consequence: missense variant.
Genome position (GRCh38, 1-based): chr2:127,428,659, G>A. VCF-style: chr2-127428659-G-A. GRCh37 (hg19) VCF-style: chr2-128186235-G-A.
Other names: p.Val367Met; c.1282G>A, p.Val428Met (NM_001375602.1); c.1264G>A, p.Val422Met (NM_001375603.1); c.1162G>A, p.Val388Met (NM_001375604.1); c.1201G>A, p.Val401Met (NM_001375605.1); c.1267G>A, p.Val423Met (NM_001375606.1); c.1285G>A, p.Val429Met (NM_001375607.1); c.1042G>A, p.Val348Met (NM_001375608.1); and 4 more; short protein forms V348M, V359M, V365M, V367M, V388M, V401M, V422M, V423M.
Identifiers: ClinVar variation 1067579 (VCV001067579.12), dbSNP rs140582220, ClinGen allele CA1859522.

ClinVar aggregate classification (germline): Likely pathogenic. Review status: criteria provided, multiple submitters, no conflicts (2 of 4 stars). 3 submissions from 3 submitters: Likely pathogenic (3). Last evaluated 2025-01-27.

Conditions:
Thrombophilia due to protein C deficiency, autosomal dominant. Also called: PROC DEFICIENCY, AUTOSOMAL DOMINANT; PROTEIN C DEFICIENCY, AUTOSOMAL DOMINANT. Identifiers: Orphanet 745, MedGen C2674321, MONDO:0008316, OMIM 176860. Disease mechanism: loss of function.
Thrombophilia due to protein C deficiency, autosomal recessive. Also called: PROC DEFICIENCY, AUTOSOMAL RECESSIVE; PROTEIN C DEFICIENCY, AUTOSOMAL RECESSIVE. Identifiers: Orphanet 745, MedGen C2676759, MONDO:0012860, OMIM 612304.

Allele frequency attached by ClinVar (database versions not stated): gnomAD exomes below 0.00001; ExAC 0.00001; gnomAD 0.00001; TOPMed 0.00001; ESP Exome Variant Server 0.00008.
gnomAD v4.1: 7 of 1,613,894 alleles (0.00043%); highest among the groups gnomAD compares: African/African-American, 0.0013%; no homozygotes.

Submissions (3):

Mayo Clinic Laboratories, Mayo Clinic
Classification: Likely pathogenic. Last evaluated: 2025-01-27. Review status: criteria provided, single submitter. Criteria: ACMG Guidelines, 2015. Collection method: clinical testing. Allele origin: germline. Observed: 1 variant allele.
Comment: PP4_moderate, PM1_supporting, PM2_supporting, PM3, PM5

Labcorp Genetics (formerly Invitae), Labcorp
Classification: Likely pathogenic for Thrombophilia due to protein C deficiency, autosomal dominant. Last evaluated: 2024-02-24. Review status: criteria provided, single submitter. Criteria: Invitae Variant Classification Sherloc (09022015). Collection method: clinical testing. Allele origin: germline.
Comment: This sequence change replaces valine, which is neutral and non-polar, with methionine, which is neutral and non-polar, at codon 367 of the PROC protein (p.Val367Met). This variant is present in population databases (rs140582220, gnomAD 0.0009%). This missense change has been observed in individuals with clinical features of protein C deficiency (PMID: 10669160, 22627591, 27995882, 28174134, 34650936). This variant is also known as Val325Met, V325M, and G15240A. ClinVar contains an entry for this variant (Variation ID: 1067579). Advanced modeling of protein sequence and biophysical properties (such as structural, functional, and spatial information, amino acid conservation, physicochemical variation, residue mobility, and thermodynamic stability) performed at Invitae indicates that this missense variant is not expected to disrupt PROC protein function with a negative predictive value of 80%. This variant disrupts the p.Val367 amino acid residue in PROC. Other variant(s) that disrupt this residue have been observed in individuals with PROC-related conditions (PMID: 7841324, 35026611), which suggests that this may be a clinically significant amino acid residue. In summary, the currently available evidence indicates that the variant is pathogenic, but additional data are needed to prove that conclusively. Therefore, this variant has been classified as Likely Pathogenic.

Juno Genomics, Hangzhou Juno Genomics, Inc
Classification: Likely pathogenic for Thrombophilia due to protein C deficiency, autosomal dominant; Thrombophilia due to protein C deficiency, autosomal recessive. Review status: criteria provided, single submitter. Criteria: ACMG Guidelines, 2015. Collection method: clinical testing. Allele origin: germline.
Comment: Absent from controls (or at extremely low frequency if recessive) in Genome Aggregation Database.;The prevalence of the variant in affected individuals is significantly increased compared to the prevalence in controls.;For recessive disorders, detected in trans with a pathogenic variant.;Co-segregation with disease in multiple affected family members.;Patient's phenotype or family history is highly specific for a disease with a single genetic etiology.;Well-established in vitro or in vivo functional studies supportive of a damaging effect on the gene or gene product.

Literature cited by the submitters: PubMed 10669160 (cited by Mayo Clinic Laboratories, Mayo Clinic and Labcorp Genetics (formerly Invitae), Labcorp); PubMed 22627591 (cited by Mayo Clinic Laboratories, Mayo Clinic and Labcorp Genetics (formerly Invitae), Labcorp); PubMed 27995882 (cited by Mayo Clinic Laboratories, Mayo Clinic and Labcorp Genetics (formerly Invitae), Labcorp); PubMed 28174134 (cited by Mayo Clinic Laboratories, Mayo Clinic and Labcorp Genetics (formerly Invitae), Labcorp); PubMed 34650936 (cited by Mayo Clinic Laboratories, Mayo Clinic and Labcorp Genetics (formerly Invitae), Labcorp); PubMed 7841324 (cited by Labcorp Genetics (formerly Invitae), Labcorp); PubMed 35026611 (cited by Labcorp Genetics (formerly Invitae), Labcorp).